The following is an entry in ClinVar:

NM_000433.4(NCF2):c.596T>A (p.Leu199Gln)

Gene: NCF2 (neutrophil cytosolic factor 2; minus strand). Cytogenetic location: 1q25.3.
Variant type: single nucleotide variant.
Coding change: c.596T>A on transcript NM_000433.4 (MANE Select); coding-DNA position 596, T replaced by A.
Protein change: p.Leu199Gln; replaces leucine 199 with glutamine.
Molecular consequence: missense variant. On other transcripts: intron variant (1).
Genome position (GRCh38, 1-based): chr1:183,573,198, A>T on the plus strand (T>A on the coding strand, the complement: NCF2 is on the minus strand). VCF-style: chr1-183573198-A-T. GRCh37 (hg19) VCF-style: chr1-183542333-A-T.
Other names: c.596T>A, p.Leu199Gln (NM_001127651.3); c.461T>A, p.Leu154Gln (NM_001190794.2); c.367-2359T>A (NM_001190789.2); short protein forms L199Q, L154Q.
Identifiers: ClinVar variation 1992810 (VCV001992810.4), dbSNP rs2527956968, ClinGen allele CA343675777.

ClinVar aggregate classification (germline): Uncertain significance (1 of 4 stars; one submission).

Conditions:
Granulomatous disease, chronic, autosomal recessive, cytochrome b-positive, type 2. Also called: Chronic granulomatous disease due to deficiency of NCF-2; Chronic Granulomatous Disease, Autosomal Recessive, Cytochrome b-Positive, Type II; GRANULOMATOUS DISEASE, CHRONIC, DUE TO NCF2 DEFICIENCY; CGD, AUTOSOMAL RECESSIVE CYTOCHROME b-POSITIVE, TYPE II; GRANULOMATOUS DISEASE, CHRONIC, AUTOSOMAL RECESSIVE, 2. Identifiers: Orphanet 379, MedGen C1856245, MONDO:0009310, OMIM 233710.

Submission:

Labcorp Genetics (formerly Invitae), Labcorp
Classification: Uncertain significance for Granulomatous disease, chronic, autosomal recessive, cytochrome b-positive, type 2. Last evaluated: 2022-05-10. Review status: criteria provided, single submitter. Criteria: Invitae Variant Classification Sherloc (09022015). Collection method: clinical testing. Allele origin: germline.
Comment: This sequence change replaces leucine, which is neutral and non-polar, with glutamine, which is neutral and polar, at codon 199 of the NCF2 protein (p.Leu199Gln). In summary, the available evidence is currently insufficient to determine the role of this variant in disease. Therefore, it has been classified as a Variant of Uncertain Significance. Algorithms developed to predict the effect of missense changes on protein structure and function (SIFT, PolyPhen-2, Align-GVGD) all suggest that this variant is likely to be disruptive. This variant has not been reported in the literature in individuals affected with NCF2-related conditions. This variant is not present in population databases (gnomAD no frequency).